The following is an entry in ClinVar:

ClinVar aggregate classification (germline): Uncertain significance (1 of 4 stars; one submission).

gnomAD v4.1: 2 of 1,610,006 alleles (0.00012%); highest among the groups gnomAD compares: African/African-American, 0.0013%; no homozygotes.

Submission:

Labcorp Genetics (formerly Invitae), Labcorp
Classification: Uncertain significance. Last evaluated: 2021-08-05. Review status: criteria provided, single submitter. Criteria: Invitae Variant Classification Sherloc (09022015). Collection method: clinical testing. Allele origin: germline.
Comment: In summary, the available evidence is currently insufficient to determine the role of this variant in disease. Therefore, it has been classified as a Variant of Uncertain Significance. Nucleotide substitutions within the consensus splice site are a relatively common cause of aberrant splicing (PMID: 17576681, 9536098). Algorithms developed to predict the effect of sequence changes on RNA splicing suggest that this variant is not likely to affect RNA splicing, but this prediction has not been confirmed by published transcriptional studies. This variant has not been reported in the literature in individuals with EXOSC9-related conditions. This variant is not present in population databases (ExAC no frequency). This sequence change falls in intron 9 of the EXOSC9 gene. It does not directly change the encoded amino acid sequence of the EXOSC9 protein. It affects a nucleotide within the consensus splice site of the intron.

Literature cited by the submitters: PubMed 17576681; PubMed 9536098.

NM_005033.3(EXOSC9):c.974+5C>T

Gene: EXOSC9 (exosome component 9; plus strand). Cytogenetic location: 4q27.
Variant type: single nucleotide variant.
Coding change: c.974+5C>T on transcript NM_005033.3 (MANE Select); 5 bases into the intron after coding-DNA position 974, C replaced by T.
Molecular consequence: intron variant.
Genome position (GRCh38, 1-based): chr4:121,813,385, C>T. VCF-style: chr4-121813385-C-T. GRCh37 (hg19) VCF-style: chr4-122734540-C-T.
Other names: c.974+5C>T (NM_001034194.2).
Identifiers: ClinVar variation 1399296 (VCV001399296.6), dbSNP rs2149038905, ClinGen allele CA2573137974.
Genomic context (GRCh38, chr4:121,813,385, plus strand): 5'-GATGTAGAAGAAAAAGCAGAAGAAATCATTGCTGAAGCAGAACCTCCTTCAGAAGTGTAT[C>T]TTTATTTGGTGGTTTTTGCAGTAACAAGATTCATAACACTTGGCATTATAATATTAGGCT-3'